The following is an entry in ClinVar:

NM_018344.6(SLC29A3):c.529G>A (p.Gly177Ser)

Gene: SLC29A3 (solute carrier family 29 member 3; plus strand). Cytogenetic location: 10q22.1.
Variant type: single nucleotide variant.
Coding change: c.529G>A on transcript NM_018344.6 (MANE Select); coding-DNA position 529, G replaced by A.
Protein change: p.Gly177Ser; replaces glycine 177 with serine.
Molecular consequence: missense variant. On other transcripts: non-coding transcript variant (1).
Genome position (GRCh38, 1-based): chr10:71,351,707, G>A. VCF-style: chr10-71351707-G-A. GRCh37 (hg19) VCF-style: chr10-73111464-G-A.
Other names: c.529G>A, p.Gly177Ser (NM_001174098.2); c.295G>A, p.Gly99Ser (NM_001363518.2); c.529G>A (NM_018344.5); short protein forms G99S, G177S.
Identifiers: ClinVar variation 1037800 (VCV001037800.6), dbSNP rs751857525, ClinGen allele CA5542958.

ClinVar aggregate classification (germline): Uncertain significance. Review status: criteria provided, multiple submitters, no conflicts (2 of 4 stars). 2 submissions from 2 submitters: Uncertain significance (2). Last evaluated 2024-02-05.

Conditions:
H syndrome. Also called: HISTIOCYTOSIS AND LYMPHADENOPATHY WITH OR WITHOUT CUTANEOUS, CARDIAC, AND/OR ENDOCRINE FEATURES, JOINT CONTRACTURES, AND/OR DEAFNESS; HYPERPIGMENTATION, CUTANEOUS, WITH HYPERTRICHOSIS, HEPATOSPLENOMEGALY, HEART ANOMALIES, AND HYPOGONADISM WITH OR WITHOUT HEARING LOSS; PIGMENTED HYPERTRICHOSIS WITH INSULIN-DEPENDENT DIABETES MELLITUS; ROSAI-DORFMAN DISEASE, FAMILIAL; SINUS HISTIOCYTOSIS AND MASSIVE LYMPHADENOPATHY; Hyperpigmentation, Cutaneous, with Hypertrichosis, Hepatosplenomegaly, Heart Anomalies, Hearing Loss, and Hypogonadism. Identifiers: Orphanet 168569, MedGen C1864445, MONDO:0011273, OMIM 602782.
Inborn genetic diseases. Identifiers: MedGen C0950123, MeSH D030342.

Allele frequency attached by ClinVar (database versions not stated): gnomAD 0.00001; gnomAD exomes 0.00001; TOPMed 0.00001; ExAC 0.00002.

Submissions (2):

Ambry Genetics
Classification: Uncertain significance for Inborn genetic diseases. Last evaluated: 2024-02-05. Review status: criteria provided, single submitter. Criteria: Ambry Variant Classification Scheme 2023. Collection method: clinical testing. Allele origin: germline.

Labcorp Genetics (formerly Invitae), Labcorp
Classification: Uncertain significance for H syndrome. Last evaluated: 2021-08-30. Review status: criteria provided, single submitter. Criteria: Invitae Variant Classification Sherloc (09022015). Collection method: clinical testing. Allele origin: germline.
Comment: This sequence change replaces glycine with serine at codon 177 of the SLC29A3 protein (p.Gly177Ser). The glycine residue is moderately conserved and there is a small physicochemical difference between glycine and serine. This variant is present in population databases (rs751857525, ExAC 0.006%). This variant has not been reported in the literature in individuals affected with SLC29A3-related conditions. Algorithms developed to predict the effect of missense changes on protein structure and function (SIFT, PolyPhen-2, Align-GVGD) all suggest that this variant is likely to be tolerated. Algorithms developed to predict the effect of sequence changes on RNA splicing suggest that this variant may create or strengthen a splice site. In summary, the available evidence is currently insufficient to determine the role of this variant in disease. Therefore, it has been classified as a Variant of Uncertain Significance.